The following is an entry in ClinVar:

NM_003737.4(DCHS1):c.7520C>T (p.Thr2507Ile)

Gene: DCHS1 (dachsous cadherin-related 1; minus strand). Cytogenetic location: 11p15.4.
Variant type: single nucleotide variant.
Coding change: c.7520C>T on transcript NM_003737.4 (MANE Select); coding-DNA position 7520, C replaced by T.
Protein change: p.Thr2507Ile; replaces threonine 2507 with isoleucine.
Molecular consequence: missense variant.
Genome position (GRCh38, 1-based): chr11:6,624,156, G>A on the plus strand (C>T on the coding strand, the complement: DCHS1 is on the minus strand). VCF-style: chr11-6624156-G-A. GRCh37 (hg19) VCF-style: chr11-6645387-G-A.
Other names: short protein forms T2507I.
Identifiers: ClinVar variation 3367952 (VCV003367952.1).

ClinVar aggregate classification (germline): Uncertain significance (1 of 4 stars; one submission).

Submission:

GeneDx
Classification: Uncertain significance. Last evaluated: 2024-01-18. Review status: criteria provided, single submitter. Criteria: GeneDx Variant Classification Process June 2021. Collection method: clinical testing. Allele origin: germline. Affected: yes.
Comment: Not observed at significant frequency in large population cohorts (gnomAD); In silico analysis supports that this missense variant does not alter protein structure/function; Has not been previously published as pathogenic or benign to our knowledge